The following is an entry in ClinVar:

ClinVar aggregate classification (germline): Uncertain significance. Review status: criteria provided, multiple submitters, no conflicts (2 of 4 stars). 2 submissions from 2 submitters: Uncertain significance (2). Last evaluated 2024-04-12.

Conditions:
POLD1-related polyposis and colorectal cancer syndrome (CRCS10). Also called: Colorectal cancer 10; COLORECTAL CANCER, SUSCEPTIBILITY TO, ON CHROMOSOME 19q; Colorectal cancer, susceptibility to, 10. Identifiers: Orphanet 220460, MedGen C2675481, MONDO:0012953, OMIM 612591.
Hereditary cancer-predisposing syndrome. Also called: Hereditary neoplastic syndrome; Tumor predisposition; Neoplastic Syndromes, Hereditary; Hereditary Cancer Syndrome. Identifiers: Orphanet 140162, MedGen C0027672, MeSH D009386, MONDO:0015356.

gnomAD v4.1: 1 of 1,558,874 alleles (0.000064%); highest among the groups gnomAD compares: South Asian, 0.0012%; no homozygotes.

Submissions (2):

Ambry Genetics
Classification: Uncertain significance for Hereditary cancer-predisposing syndrome. Last evaluated: 2024-04-12. Review status: criteria provided, single submitter. Criteria: Ambry Variant Classification Scheme 2023. Collection method: clinical testing. Allele origin: germline.
Comment: The p.P327T variant (also known as c.979C>A), located in coding exon 8 of the POLD1 gene, results from a C to A substitution at nucleotide position 979. The proline at codon 327 is replaced by threonine, an amino acid with highly similar properties. This amino acid position is conserved. In addition, the in silico prediction for this alteration is inconclusive. Based on the available evidence, the clinical significance of this variant remains unclear.

Labcorp Genetics (formerly Invitae), Labcorp
Classification: Uncertain significance for POLD1-related polyposis and colorectal cancer syndrome. Last evaluated: 2024-01-14. Review status: criteria provided, single submitter. Criteria: Invitae Variant Classification Sherloc (09022015). Collection method: clinical testing. Allele origin: germline.
Comment: This sequence change replaces proline, which is neutral and non-polar, with threonine, which is neutral and polar, at codon 327 of the POLD1 protein (p.Pro327Thr). This variant is not present in population databases (gnomAD no frequency). This variant has not been reported in the literature in individuals affected with POLD1-related conditions. ClinVar contains an entry for this variant (Variation ID: 952993). Advanced modeling of protein sequence and biophysical properties (such as structural, functional, and spatial information, amino acid conservation, physicochemical variation, residue mobility, and thermodynamic stability) performed at Invitae indicates that this missense variant is expected to disrupt POLD1 protein function with a positive predictive value of 80%. In summary, the available evidence is currently insufficient to determine the role of this variant in disease. Therefore, it has been classified as a Variant of Uncertain Significance.

NM_002691.4(POLD1):c.979C>A (p.Pro327Thr)

Gene: POLD1 (DNA polymerase delta 1, catalytic subunit; plus strand). Cytogenetic location: 19q13.33.
Variant type: single nucleotide variant.
Coding change: c.979C>A on transcript NM_002691.4 (MANE Select); coding-DNA position 979, C replaced by A.
Protein change: p.Pro327Thr; replaces proline 327 with threonine.
Molecular consequence: missense variant. On other transcripts: non-coding transcript variant (1).
Genome position (GRCh38, 1-based): chr19:50,403,061, C>A. VCF-style: chr19-50403061-C-A. GRCh37 (hg19) VCF-style: chr19-50906318-C-A.
Other names: c.979C>A, p.Pro327Thr (NM_001256849.1, NM_001308632.1); c.979C>A (NM_002691.2); short protein forms P327T.
Identifiers: ClinVar variation 952993 (VCV000952993.10), dbSNP rs2038721213, ClinGen allele CA406977718.